The following is an entry in ClinVar:

ClinVar aggregate classification (germline): Uncertain significance (1 of 4 stars; one submission).

Submission:

Mayo Clinic Laboratories, Mayo Clinic
Classification: Uncertain significance. Last evaluated: 2025-10-30. Review status: criteria provided, single submitter. Criteria: ACMG Guidelines, 2015. Collection method: clinical testing. Allele origin: germline. Observed: 1 variant allele.
Comment: BP4_moderate, PM2_supporting

NM_015346.4(ZFYVE26):c.4465T>G (p.Ser1489Ala)

Gene: ZFYVE26 (zinc finger FYVE-type containing 26; minus strand). Cytogenetic location: 14q24.1.
Variant type: single nucleotide variant.
Coding change: c.4465T>G on transcript NM_015346.4 (MANE Select); coding-DNA position 4465, T replaced by G.
Protein change: p.Ser1489Ala; replaces serine 1489 with alanine.
Molecular consequence: missense variant.
Genome position (GRCh38, 1-based): chr14:67,781,437, A>C on the plus strand (T>G on the coding strand, the complement: ZFYVE26 is on the minus strand). VCF-style: chr14-67781437-A-C. GRCh37 (hg19) VCF-style: chr14-68248154-A-C.
Other names: p.Ser1489Ala; short protein forms S1489A.
Identifiers: ClinVar variation 4541872 (VCV004541872.1).